The following is an entry in ClinVar:

NM_001166114.2(PNPLA6):c.2958A>G (p.Val986=)

Gene: PNPLA6 (patatin like domain 6, lysophospholipase; plus strand). Cytogenetic location: 19p13.2.
Variant type: single nucleotide variant.
Coding change: c.2958A>G on transcript NM_001166114.2 (MANE Select); coding-DNA position 2958, A replaced by G.
Protein change: p.Val986=; no amino-acid change (valine 986 retained).
Molecular consequence: synonymous variant.
Genome position (GRCh38, 1-based): chr19:7,555,628, A>G. VCF-style: chr19-7555628-A-G. GRCh37 (hg19) VCF-style: chr19-7620514-A-G.
Other names: c.2988A>G, p.Val996= (NM_001166111.2); c.2763A>G, p.Val921= (NM_001166112.2); c.2844A>G, p.Val948= (NM_001166113.1, NM_006702.5).
Identifiers: ClinVar variation 330532 (VCV000330532.14), dbSNP rs752794292, ClinGen allele CA9140289.

ClinVar aggregate classification (germline): Conflicting classifications of pathogenicity. Review status: criteria provided, conflicting classifications (1 of 4 stars). 4 submissions from 4 submitters: Uncertain significance (1); Likely benign (3). Last evaluated 2026-02-01.

Conditions:
Hereditary spastic paraplegia 39 (SPG39). Also called: Spastic Paraplegia Type 39 (SPG39); SPASTIC PARAPLEGIA 39, AUTOSOMAL RECESSIVE. Identifiers: Orphanet 139480, MedGen C2677586, MONDO:0012787, OMIM 612020.

Allele frequency attached by ClinVar (database versions not stated): gnomAD exomes below 0.00001; ExAC 0.00001; gnomAD 0.00001; TOPMed 0.00001.
gnomAD v4.1: 4 of 1,612,402 alleles (0.00025%); highest among the groups gnomAD compares: Non-Finnish European, 0.00034%; no homozygotes.

Submissions (4):

CeGaT Center for Human Genetics Tuebingen
Classification: Likely benign. Last evaluated: 2026-02-01. Review status: criteria provided, single submitter. Criteria: CeGaT Center For Human Genetics Tuebingen Variant Classification Criteria Version 2. Collection method: clinical testing. Allele origin: germline. Affected: yes. Observed: 1 variant allele.
Comment: PNPLA6: BP4, BP7

Labcorp Genetics (formerly Invitae), Labcorp
Classification: Likely benign for Hereditary spastic paraplegia 39. Last evaluated: 2025-11-16. Review status: criteria provided, single submitter. Criteria: Invitae Variant Classification Sherloc (09022015). Collection method: clinical testing. Allele origin: germline.

Blueprint Genetics
Classification: Likely benign. Last evaluated: 2024-06-25. Review status: criteria provided, single submitter. Criteria: ACMG Guidelines, 2015. Collection method: clinical testing. Allele origin: germline.

Illumina Laboratory Services, Illumina
Classification: Uncertain significance for Hereditary spastic paraplegia 39. Last evaluated: 2018-01-13. Review status: criteria provided, single submitter. Criteria: ICSL Variant Classification Criteria 13 December 2019. Collection method: clinical testing. Allele origin: germline.